The following is an entry in ClinVar:

NM_005559.4(LAMA1):c.8579G>A (p.Cys2860Tyr)

Gene: LAMA1 (laminin subunit alpha 1; minus strand). Cytogenetic location: 18p11.31.
Variant type: single nucleotide variant.
Coding change: c.8579G>A on transcript NM_005559.4 (MANE Select); coding-DNA position 8579, G replaced by A.
Protein change: p.Cys2860Tyr; replaces cysteine 2860 with tyrosine.
Molecular consequence: missense variant.
Genome position (GRCh38, 1-based): chr18:6,948,534, C>T on the plus strand (G>A on the coding strand, the complement: LAMA1 is on the minus strand). VCF-style: chr18-6948534-C-T. GRCh37 (hg19) VCF-style: chr18-6948533-C-T.
Other names: short protein forms C2860Y.
Identifiers: ClinVar variation 2000173 (VCV002000173.4), dbSNP rs2510814938, ClinGen allele CA401836205.

ClinVar aggregate classification (germline): Uncertain significance (1 of 4 stars; one submission).

Submission:

Labcorp Genetics (formerly Invitae), Labcorp
Classification: Uncertain significance. Last evaluated: 2022-06-10. Review status: criteria provided, single submitter. Criteria: Invitae Variant Classification Sherloc (09022015). Collection method: clinical testing. Allele origin: germline.
Comment: This sequence change replaces cysteine, which is neutral and slightly polar, with tyrosine, which is neutral and polar, at codon 2860 of the LAMA1 protein (p.Cys2860Tyr). This variant is not present in population databases (gnomAD no frequency). This variant has not been reported in the literature in individuals affected with LAMA1-related conditions. Algorithms developed to predict the effect of missense changes on protein structure and function are either unavailable or do not agree on the potential impact of this missense change (SIFT: "Deleterious"; PolyPhen-2: "Probably Damaging"; Align-GVGD: "Class C0"). In summary, the available evidence is currently insufficient to determine the role of this variant in disease. Therefore, it has been classified as a Variant of Uncertain Significance.